The following is an entry in ClinVar:

ClinVar aggregate classification (germline): Uncertain significance (1 of 4 stars; one submission).

Conditions:
Inborn genetic diseases. Identifiers: MedGen C0950123, MeSH D030342.

Submission:

Ambry Genetics
Classification: Uncertain significance for Inborn genetic diseases. Last evaluated: 2025-02-05. Review status: criteria provided, single submitter. Criteria: Ambry Variant Classification Scheme 2023. Collection method: clinical testing. Allele origin: germline.
Comment: The p.P938S variant (also known as c.2812C>T), located in coding exon 12 of the BMPR2 gene, results from a C to T substitution at nucleotide position 2812. The proline at codon 938 is replaced by serine, an amino acid with similar properties. This amino acid position is conserved. In addition, the in silico prediction for this alteration is inconclusive. Based on the available evidence, the clinical significance of this variant remains unclear.

NM_001204.7(BMPR2):c.2812C>T (p.Pro938Ser)

Gene: BMPR2 (bone morphogenetic protein receptor type 2; plus strand). Cytogenetic location: 2q33.2.
Variant type: single nucleotide variant.
Coding change: c.2812C>T on transcript NM_001204.7 (MANE Select); coding-DNA position 2812, C replaced by T.
Protein change: p.Pro938Ser; replaces proline 938 with serine.
Molecular consequence: missense variant.
Genome position (GRCh38, 1-based): chr2:202,556,477, C>T. VCF-style: chr2-202556477-C-T. GRCh37 (hg19) VCF-style: chr2-203421200-C-T.
Other names: short protein forms P938S.
Identifiers: ClinVar variation 3824885 (VCV003824885.1).